The following is an entry in ClinVar:

NM_000466.3(PEX1):c.370G>A (p.Val124Ile)

Gene: PEX1 (peroxisomal biogenesis factor 1; minus strand). Cytogenetic location: 7q21.2.
Variant type: single nucleotide variant.
Coding change: c.370G>A on transcript NM_000466.3 (MANE Select); coding-DNA position 370, G replaced by A.
Protein change: p.Val124Ile; replaces valine 124 with isoleucine.
Molecular consequence: missense variant. On other transcripts: 5 prime UTR variant (1).
Genome position (GRCh38, 1-based): chr7:92,518,243, C>T on the plus strand (G>A on the coding strand, the complement: PEX1 is on the minus strand). VCF-style: chr7-92518243-C-T. GRCh37 (hg19) VCF-style: chr7-92147557-C-T.
Other names: c.370G>A, p.Val124Ile (NM_001282677.2); c.-255G>A (NM_001282678.2); short protein forms V124I.
Identifiers: ClinVar variation 1020247 (VCV001020247.7), dbSNP rs1792895303, ClinGen allele CA368202603.

ClinVar aggregate classification (germline): Uncertain significance (1 of 4 stars; one submission).

Conditions:
Zellweger spectrum disorders (ZS). Also called: Zellweger syndrome; Zellweger Spectrum Disorder (ZSD); Zellweger Spectrum Disorder; Zellweger Spectrum. Identifiers: Orphanet 912, MedGen C0043459, MONDO:0019609.

Submission:

Labcorp Genetics (formerly Invitae), Labcorp
Classification: Uncertain significance for Zellweger spectrum disorders. Last evaluated: 2020-07-14. Review status: criteria provided, single submitter. Criteria: Invitae Variant Classification Sherloc (09022015). Collection method: clinical testing. Allele origin: germline.
Comment: This sequence change replaces valine with isoleucine at codon 124 of the PEX1 protein (p.Val124Ile). The valine residue is weakly conserved and there is a small physicochemical difference between valine and isoleucine. In summary, the available evidence is currently insufficient to determine the role of this variant in disease. Therefore, it has been classified as a Variant of Uncertain Significance. Algorithms developed to predict the effect of missense changes on protein structure and function output the following: SIFT: "Tolerated"; PolyPhen-2: "Benign"; Align-GVGD: "Class C0". The isoleucine amino acid residue is found in multiple mammalian species, suggesting that this missense change does not adversely affect protein function. These predictions have not been confirmed by published functional studies and their clinical significance is uncertain. This variant has not been reported in the literature in individuals with PEX1-related conditions. This variant is not present in population databases (ExAC no frequency).